The following is an entry in ClinVar:

NM_000091.5(COL4A3):c.184dup (p.Gln62fs)

Genes: COL4A3 (collagen type IV alpha 3 chain; plus strand), MFF-DT (MFF divergent transcript; minus strand). Cytogenetic location: 2q36.3.
Variant type: Duplication.
Coding change: c.184dup on transcript NM_000091.5 (MANE Select); coding-DNA position 184, one base duplicated (C; older notation c.184dupC).
Protein change: p.Gln62fs; shifts the reading frame from glutamine 62.
Molecular consequence: frameshift variant.
Genome position (GRCh38, 1-based): chr2:227,240,182, C duplicated; the last of 2 consecutive C bases (chr2:227,240,181-227,240,182); duplicating either gives the same sequence. VCF-style (leftmost placement, unchanged base first): chr2-227240180-G-GC. GRCh37 (hg19) VCF-style: chr2-228104896-G-GC.
Other names: short protein forms Q62fs.
Identifiers: ClinVar variation 5013640 (VCV005013640.1).
Genomic context (GRCh38, chr2:227,240,180, plus strand): 5'-TCACCTCGTTTTGGTTTTAACAGGGGGAGAAGGGCTTTCCTGGACCCCCCGGTTCTCCTG[G>GC]CCAGAAAGGATTCACAGGTCCTGAAGGCTTGCCTGGACCGCAGGGACCCAAGGTATGTCA-3'

ClinVar aggregate classification (germline): Pathogenic (1 of 4 stars; one submission).

Conditions:
Alport syndrome. Also called: Hemorrhagic familial nephritis; Hemorrhagic hereditary nephritis; Congenital hereditary hematuria. Identifiers: Orphanet 63, MedGen C1567741, MONDO:0018965.

Submission:

Myriad Genetics, Inc.
Classification: Pathogenic for Alport syndrome. Last evaluated: 2024-10-16. Review status: criteria provided, single submitter. Criteria: Myriad Autosomal Dominant, Autosomal Recessive and X-Linked Classification Criteria (2023). Collection method: clinical testing. Allele origin: unknown.
Comment: NM_000091.4(COL4A3):c.184dupC(Q62Pfs*8) is expected to be pathogenic in the context of Alport syndrome, COL4A3-related. This variant is predicted to lead to an abnormal or absent protein product due to the creation of a premature termination codon in COL4A3, a gene where loss-of-function variants are known to be pathogenic. Please note: this variant was assessed in the context of healthy population screening.